The following is an entry in ClinVar:

ClinVar aggregate classification (germline): Uncertain significance. Review status: criteria provided, single submitter (1 of 4 stars). 3 submissions from 3 submitters: Uncertain significance (1). 2 of the submissions do not count toward it. Last evaluated 2025-04-07.

Conditions:
Dyskeratosis congenita, autosomal recessive 6 (DKCB6). Identifiers: MedGen C4225356, MONDO:0014600, OMIM 616353.
Pulmonary fibrosis and/or bone marrow failure, Telomere-related, 4. Also called: PULMONARY FIBROSIS AND/OR BONE MARROW FAILURE SYNDROME, TELOMERE-RELATED, 4. Identifiers: Orphanet 2032, MedGen C4225347, MONDO:0014612, OMIM 616371.

Allele frequency attached by ClinVar (database versions not stated): gnomAD 0.00001; TOPMed below 0.00001.
gnomAD v4.1: 13 of 1,605,768 alleles (0.00081%); highest among the groups gnomAD compares: Non-Finnish European, 0.0011%; no homozygotes.

Submissions (3):

Labcorp Genetics (formerly Invitae), Labcorp
Classification: Uncertain significance for Dyskeratosis congenita, autosomal recessive 6; Pulmonary fibrosis and/or bone marrow failure, Telomere-related, 4. Last evaluated: 2025-04-07. Review status: criteria provided, single submitter. Criteria: Invitae Variant Classification Sherloc (09022015). Collection method: clinical testing. Allele origin: germline.
Comment: This sequence change replaces proline, which is neutral and non-polar, with leucine, which is neutral and non-polar, at codon 94 of the PARN protein (p.Pro94Leu). This variant is not present in population databases (gnomAD no frequency). This missense change has been observed in individual(s) with clinical features of PARN-related conditions (PMID: 36769106, 38259611). ClinVar contains an entry for this variant (Variation ID: 1297578). Invitae Evidence Modeling of protein sequence and biophysical properties (such as structural, functional, and spatial information, amino acid conservation, physicochemical variation, residue mobility, and thermodynamic stability) indicates that this missense variant is expected to disrupt PARN protein function with a positive predictive value of 80%. In summary, the available evidence is currently insufficient to determine the role of this variant in disease. Therefore, it has been classified as a Variant of Uncertain Significance.

Clinical Genetics DNA and cytogenetics Diagnostics Lab, Erasmus MC, Erasmus Medical Center
Classification: Uncertain significance. Review status: no assertion criteria provided. Collection method: clinical testing. Allele origin: germline. Affected: yes. Study: VKGL Data-share Consensus. Not counted in ClinVar's aggregate classification.

Joint Genome Diagnostic Labs from Nijmegen and Maastricht, Radboudumc and MUMC+
Classification: Uncertain significance. Review status: no assertion criteria provided. Collection method: clinical testing. Allele origin: germline. Affected: yes. Study: VKGL Data-share Consensus. Not counted in ClinVar's aggregate classification.

Literature cited by the submitters: PubMed 36769106 (cited by Labcorp Genetics (formerly Invitae), Labcorp); PubMed 38259611 (cited by Labcorp Genetics (formerly Invitae), Labcorp).

NM_002582.4(PARN):c.281C>T (p.Pro94Leu)

Gene: PARN (poly(A)-specific ribonuclease; minus strand). Cytogenetic location: 16p13.12.
Variant type: single nucleotide variant.
Coding change: c.281C>T on transcript NM_002582.4 (MANE Select); coding-DNA position 281, C replaced by T.
Protein change: p.Pro94Leu; replaces proline 94 with leucine.
Molecular consequence: missense variant. On other transcripts: intron variant (1).
Genome position (GRCh38, 1-based): chr16:14,627,152, G>A on the plus strand (C>T on the coding strand, the complement: PARN is on the minus strand). VCF-style: chr16-14627152-G-A. GRCh37 (hg19) VCF-style: chr16-14721009-G-A.
Other names: c.98C>T, p.Pro33Leu (NM_001134477.3); c.159-16C>T (NM_001242992.2); short protein forms P33L, P94L.
Identifiers: ClinVar variation 1297578 (VCV001297578.11), dbSNP rs1972723198, ClinGen allele CA394815949.